The following is an entry in ClinVar:

NM_017757.3(ZNF407):c.6417C>T (p.Asp2139=)

Gene: ZNF407 (zinc finger protein 407; plus strand). Cytogenetic location: 18q22.3.
Variant type: single nucleotide variant.
Coding change: c.6417C>T on transcript NM_017757.3 (MANE Select); coding-DNA position 6417, C replaced by T.
Protein change: p.Asp2139=; no amino-acid change (aspartic acid 2139 retained).
Molecular consequence: synonymous variant.
Genome position (GRCh38, 1-based): chr18:75,064,138, C>T. VCF-style: chr18-75064138-C-T. GRCh37 (hg19) VCF-style: chr18-72776094-C-T.
Other names: c.6417C>T, p.Asp2139= (NM_001384475.1).
Identifiers: ClinVar variation 3041494 (VCV003041494.2), dbSNP rs776177121, ClinGen allele CA9001374.
Genomic context (GRCh38, chr18:75,064,138, plus strand): 5'-GGGTGCCCAGATCATCATGCAGGAGGCGCAGGGCGAGCACATGGATCTGGTGGAGTCCGA[C>T]GGGGAGATCTCGCAGATCATCGTGACGGAGGAGCTGGTCCAGGCCATGGTGCAGGAGTCC-3'
Protein context (NP_060227.2, residues 2129-2149): QGEHMDLVES[Asp2139=]GEISQIIVTE

ClinVar aggregate classification (germline): Likely benign (0 of 4 stars; one submission).

Conditions:
ZNF407-related disorder. Also called: ZNF407-related condition.

Allele frequency attached by ClinVar (database versions not stated): TOPMed 0.00001; ExAC 0.00002; gnomAD 0.00002; gnomAD exomes 0.00002.
gnomAD v4.1: 29 of 1,602,042 alleles (0.0018%); highest among the groups gnomAD compares: Non-Finnish European, 0.0024%; no homozygotes.

Submission:

PreventionGenetics, part of Exact Sciences
Classification: Likely benign for ZNF407-related condition. Last evaluated: 2019-05-13. Review status: no assertion criteria provided. Collection method: clinical testing. Allele origin: germline.
Comment: This variant is classified as likely benign based on ACMG/AMP sequence variant interpretation guidelines (Richards et al. 2015 PMID: 25741868, with internal and published modifications).